The following is an entry in ClinVar:

ClinVar aggregate classification (germline): Uncertain significance (1 of 4 stars; one submission).

Allele frequency attached by ClinVar (database versions not stated): gnomAD exomes below 0.00001.
gnomAD v4.1: 1 of 1,594,836 alleles (0.000063%); highest among the groups gnomAD compares: Non-Finnish European, 0.000085%; no homozygotes.

Submission:

Labcorp Genetics (formerly Invitae), Labcorp
Classification: Uncertain significance. Last evaluated: 2022-07-14. Review status: criteria provided, single submitter. Criteria: Invitae Variant Classification Sherloc (09022015). Collection method: clinical testing. Allele origin: germline.
Comment: This sequence change replaces glutamine, which is neutral and polar, with arginine, which is basic and polar, at codon 5006 of the ADGRV1 protein (p.Gln5006Arg). This variant is present in population databases (no rsID available, gnomAD 0.001%). This variant has not been reported in the literature in individuals affected with ADGRV1-related conditions. Algorithms developed to predict the effect of missense changes on protein structure and function are either unavailable or do not agree on the potential impact of this missense change (SIFT: "Deleterious"; PolyPhen-2: "Benign"; Align-GVGD: "Class C0"). In summary, the available evidence is currently insufficient to determine the role of this variant in disease. Therefore, it has been classified as a Variant of Uncertain Significance.

NM_032119.4(ADGRV1):c.15017A>G (p.Gln5006Arg)

Gene: ADGRV1 (adhesion G protein-coupled receptor V1; plus strand). Cytogenetic location: 5q14.3.
Variant type: single nucleotide variant.
Coding change: c.15017A>G on transcript NM_032119.4 (MANE Select); coding-DNA position 15017, A replaced by G.
Protein change: p.Gln5006Arg; replaces glutamine 5006 with arginine.
Molecular consequence: missense variant. On other transcripts: non-coding transcript variant (1).
Genome position (GRCh38, 1-based): chr5:90,810,277, A>G. VCF-style: chr5-90810277-A-G. GRCh37 (hg19) VCF-style: chr5-90106094-A-G.
Other names: short protein forms Q5006R.
Identifiers: ClinVar variation 1715765 (VCV001715765.5), dbSNP rs1445329288, ClinGen allele CA360407218.